The following is an entry in ClinVar:

NM_006509.4(RELB):c.315G>A (p.Pro105=)

Gene: RELB (RELB proto-oncogene, NF-kB subunit; plus strand). Cytogenetic location: 19q13.32.
Variant type: single nucleotide variant.
Coding change: c.315G>A on transcript NM_006509.4 (MANE Select); coding-DNA position 315, G replaced by A.
Protein change: p.Pro105=; no amino-acid change (proline 105 retained).
Molecular consequence: synonymous variant.
Genome position (GRCh38, 1-based): chr19:45,012,087, G>A. VCF-style: chr19-45012087-G-A. GRCh37 (hg19) VCF-style: chr19-45515345-G-A.
Other names: c.315G>A (NM_006509.3).
Identifiers: ClinVar variation 1594996 (VCV001594996.11), dbSNP rs370635437, ClinGen allele CA9507531.

ClinVar aggregate classification (germline): Likely benign. Review status: criteria provided, multiple submitters, no conflicts (2 of 4 stars). 3 submissions from 3 submitters: Likely benign (2). 1 of the submissions does not count toward it. Last evaluated 2026-01-27.

Conditions:
RELB-related disorder. Also called: RELB-related condition.

Allele frequency attached by ClinVar (database versions not stated): ESP Exome Variant Server 0.00032; gnomAD exomes 0.00051; ExAC 0.00069.
gnomAD v4.1: 632 of 1,551,664 alleles (0.041%); highest among the groups gnomAD compares: Non-Finnish European, 0.049%; 1 homozygote.

Submissions (3):

Labcorp Genetics (formerly Invitae), Labcorp
Classification: Likely benign. Last evaluated: 2026-01-27. Review status: criteria provided, single submitter. Criteria: Invitae Variant Classification Sherloc (09022015). Collection method: clinical testing. Allele origin: germline.

Blueprint Genetics
Classification: Likely benign. Last evaluated: 2024-11-21. Review status: criteria provided, single submitter. Criteria: ACMG Guidelines, 2015. Collection method: clinical testing. Allele origin: germline.

PreventionGenetics, part of Exact Sciences
Classification: Likely benign for RELB-related condition. Last evaluated: 2024-02-06. Review status: no assertion criteria provided. Collection method: clinical testing. Allele origin: germline. Not counted in ClinVar's aggregate classification.
Comment: This variant is classified as likely benign based on ACMG/AMP sequence variant interpretation guidelines (Richards et al. 2015 PMID: 25741868, with internal and published modifications).